The following is an entry in ClinVar:

ClinVar aggregate classification (germline): Uncertain significance. Review status: criteria provided, multiple submitters, no conflicts (2 of 4 stars). 2 submissions from 2 submitters: Uncertain significance (2). Last evaluated 2024-04-14.

Conditions:
Fanconi anemia (FA). Also called: Fanconi's anemia. Identifiers: Orphanet 84, MedGen C0015625, MeSH D005199, MONDO:0019391.
Fanconi anemia complementation group A (FANCA). Also called: Fanconi anemia, group A; FANCA-Related Fanconi Anemia. Identifiers: Orphanet 84, MedGen C3469521, MONDO:0009215, OMIM 227650.

Allele frequency attached by ClinVar (database versions not stated): TOPMed below 0.00001; gnomAD 0.00001.
gnomAD v4.1: 9 of 1,614,038 alleles (0.00056%); highest among the groups gnomAD compares: East Asian, 0.0022%; no homozygotes.

Submissions (2):

Fulgent Genetics
Classification: Uncertain significance for Fanconi anemia complementation group A. Last evaluated: 2024-04-14. Review status: criteria provided, single submitter. Criteria: ACMG Guidelines, 2015. Collection method: clinical testing. Allele origin: germline.

Labcorp Genetics (formerly Invitae), Labcorp
Classification: Uncertain significance for Fanconi anemia. Last evaluated: 2023-11-27. Review status: criteria provided, single submitter. Criteria: Invitae Variant Classification Sherloc (09022015). Collection method: clinical testing. Allele origin: germline.
Comment: This sequence change replaces isoleucine, which is neutral and non-polar, with methionine, which is neutral and non-polar, at codon 555 of the FANCA protein (p.Ile555Met). This variant is present in population databases (no rsID available, gnomAD 0.0009%). This variant has not been reported in the literature in individuals affected with FANCA-related conditions. Advanced modeling of protein sequence and biophysical properties (such as structural, functional, and spatial information, amino acid conservation, physicochemical variation, residue mobility, and thermodynamic stability) performed at Invitae indicates that this missense variant is expected to disrupt FANCA protein function with a positive predictive value of 80%. In summary, the available evidence is currently insufficient to determine the role of this variant in disease. Therefore, it has been classified as a Variant of Uncertain Significance.

NM_000135.4(FANCA):c.1665C>G (p.Ile555Met)

Gene: FANCA (FA complementation group A; minus strand). Cytogenetic location: 16q24.3.
Variant type: single nucleotide variant.
Coding change: c.1665C>G on transcript NM_000135.4 (MANE Select); coding-DNA position 1665, C replaced by G.
Protein change: p.Ile555Met; replaces isoleucine 555 with methionine.
Molecular consequence: missense variant.
Genome position (GRCh38, 1-based): chr16:89,779,919, G>C on the plus strand (C>G on the coding strand, the complement: FANCA is on the minus strand). VCF-style: chr16-89779919-G-C. GRCh37 (hg19) VCF-style: chr16-89846327-G-C.
Other names: c.1665C>G, p.Ile555Met (NM_001286167.3); short protein forms I555M.
Identifiers: ClinVar variation 2895124 (VCV002895124.4), dbSNP rs757932868, ClinGen allele CA397456250.